The following is an entry in ClinVar:

NM_032119.4(ADGRV1):c.18141T>G (p.Ile6047Met)

Gene: ADGRV1 (adhesion G protein-coupled receptor V1; plus strand). Cytogenetic location: 5q14.3.
Variant type: single nucleotide variant.
Coding change: c.18141T>G on transcript NM_032119.4 (MANE Select); coding-DNA position 18141, T replaced by G.
Protein change: p.Ile6047Met; replaces isoleucine 6047 with methionine.
Molecular consequence: missense variant. On other transcripts: non-coding transcript variant (1).
Genome position (GRCh38, 1-based): chr5:90,985,511, T>G. VCF-style: chr5-90985511-T-G. GRCh37 (hg19) VCF-style: chr5-90281328-T-G.
Other names: short protein forms I6047M.
Identifiers: ClinVar variation 929986 (VCV000929986.4), dbSNP rs888089676, ClinGen allele CA122931084.
Genomic context (GRCh38, chr5:90,985,511, plus strand): 5'-CCTCATAGTTATTTTGAAAGGAATCTATCATCAGAGCATGTCACAGATCTATGGACTCAT[T>G]CATGGTGACCTGTAAGTACACCCAGGCAACACATTGCCCTAGCTTTCATGTACCTAAGCA-3'
Protein context (NP_115495.3, residues 6037-6057): HQSMSQIYGL[Ile6047Met]HGDLCFIPNV

ClinVar aggregate classification (germline): Uncertain significance (1 of 4 stars; one submission).

Allele frequency attached by ClinVar (database versions not stated): gnomAD exomes 0.00001; gnomAD 0.00002; TOPMed 0.00003.
gnomAD v4.1: 6 of 1,613,438 alleles (0.00037%); highest among the groups gnomAD compares: Non-Finnish European, 0.00051%; no homozygotes.

Submission:

Laboratory for Molecular Medicine, Mass General Brigham Personalized Medicine
Classification: Uncertain significance. Last evaluated: 2019-11-26. Review status: criteria provided, single submitter. Criteria: LMM Criteria. Collection method: clinical testing. Allele origin: germline. Observed: 1 variant allele.
Comment: The p.Ile6047Met variant in ADGRV1 has not been previously reported in individuals with Usher syndrome and was absent from large population studies. Computational prediction tools and conservation analysis suggest that this variant may impact the protein, though this information is not predictive enough to determine pathogenicity. In summary, the clinical significance of this variant is uncertain. ACMG/AMP Criteria applied: PM2, PP3.